The following is an entry in ClinVar:

NM_001378454.1(ALMS1):c.3143G>A (p.Ser1048Asn)

Gene: ALMS1 (ALMS1 centrosome and basal body associated protein; plus strand). Cytogenetic location: 2p13.1.
Variant type: single nucleotide variant.
Coding change: c.3143G>A on transcript NM_001378454.1 (MANE Select); coding-DNA position 3143, G replaced by A.
Protein change: p.Ser1048Asn; replaces serine 1048 with asparagine.
Molecular consequence: missense variant.
Genome position (GRCh38, 1-based): chr2:73,449,670, G>A. VCF-style: chr2-73449670-G-A. GRCh37 (hg19) VCF-style: chr2-73676797-G-A.
Other names: c.3146G>A, p.Ser1049Asn (NM_015120.4); short protein forms S1049N, S1048N.
Identifiers: ClinVar variation 1728131 (VCV001728131.4), dbSNP rs543597396, ClinGen allele CA1713470.

ClinVar aggregate classification (germline): Conflicting classifications of pathogenicity. Review status: criteria provided, conflicting classifications (1 of 4 stars). 2 submissions from 2 submitters: Uncertain significance (1); Likely benign (1). Last evaluated 2025-06-09.

Conditions:
Cardiovascular phenotype. Identifiers: MedGen CN230736.

gnomAD v4.1: 12 of 1,613,806 alleles (0.00074%); highest among the groups gnomAD compares: Non-Finnish European, 0.001%; no homozygotes.

Submissions (2):

Ambry Genetics
Classification: Likely benign for Cardiovascular phenotype. Last evaluated: 2025-06-09. Review status: criteria provided, single submitter. Criteria: Ambry Variant Classification Scheme 2023. Collection method: clinical testing. Allele origin: germline.

GeneDx
Classification: Uncertain significance. Last evaluated: 2023-12-08. Review status: criteria provided, single submitter. Criteria: GeneDx Variant Classification Process June 2021. Collection method: clinical testing. Allele origin: germline. Affected: yes.
Comment: Not observed at significant frequency in large population cohorts (gnomAD); In silico analysis supports that this missense variant does not alter protein structure/function; Has not been previously published as pathogenic or benign to our knowledge